The following is an entry in ClinVar:

NM_000081.4(LYST):c.4271G>A (p.Gly1424Asp)

Gene: LYST (lysosomal trafficking regulator; minus strand). Cytogenetic location: 1q42.3.
Variant type: single nucleotide variant.
Coding change: c.4271G>A on transcript NM_000081.4 (MANE Select); coding-DNA position 4271, G replaced by A.
Protein change: p.Gly1424Asp; replaces glycine 1424 with aspartic acid.
Molecular consequence: missense variant.
Genome position (GRCh38, 1-based): chr1:235,791,971, C>T on the plus strand (G>A on the coding strand, the complement: LYST is on the minus strand). VCF-style: chr1-235791971-C-T. GRCh37 (hg19) VCF-style: chr1-235955271-C-T.
Other names: c.4271G>A, p.Gly1424Asp (NM_001301365.1); c.4271G>A (NM_000081.2); short protein forms G1424D.
Identifiers: ClinVar variation 959595 (VCV000959595.8), dbSNP rs201502579, ClinGen allele CA1466883.

ClinVar aggregate classification (germline): Uncertain significance. Review status: criteria provided, multiple submitters, no conflicts (2 of 4 stars). 3 submissions from 3 submitters: Uncertain significance (3). Last evaluated 2024-10-25.

Conditions:
LYST-related disorder. Also called: LYST-related condition.
Inborn genetic diseases. Identifiers: MedGen C0950123, MeSH D030342.
Chédiak-Higashi syndrome (CHS). Also called: Chediak-Higashi Syndrome. Identifiers: Orphanet 167, MedGen C0007965, MONDO:0008963, OMIM 214500.

Allele frequency attached by ClinVar (database versions not stated): ExAC 0.00002; gnomAD exomes 0.00002; TOPMed 0.00002; gnomAD 0.00003; 1000 Genomes Project 30x 0.00031; 1000 Genomes Project 0.00040.
gnomAD v4.1: 32 of 1,614,132 alleles (0.002%); highest among the groups gnomAD compares: East Asian, 0.04%; no homozygotes.

Submissions (3):

PreventionGenetics, part of Exact Sciences
Classification: Uncertain significance for LYST-related condition. Last evaluated: 2024-10-25. Review status: criteria provided, single submitter. Criteria: ACMG Guidelines, 2015. Collection method: clinical testing. Allele origin: germline.
Comment: The LYST c.4271G>A variant is predicted to result in the amino acid substitution p.Gly1424Asp. To our knowledge, this variant has not been reported in the literature. This variant is reported in 0.049% of alleles in individuals of East Asian descent in gnomAD. At this time, the clinical significance of this variant is uncertain due to the absence of conclusive functional and genetic evidence.

Ambry Genetics
Classification: Uncertain significance for Inborn genetic diseases. Last evaluated: 2024-01-29. Review status: criteria provided, single submitter. Criteria: Ambry Variant Classification Scheme 2023. Collection method: clinical testing. Allele origin: germline.

Labcorp Genetics (formerly Invitae), Labcorp
Classification: Uncertain significance for Chédiak-Higashi syndrome. Last evaluated: 2022-03-12. Review status: criteria provided, single submitter. Criteria: Invitae Variant Classification Sherloc (09022015). Collection method: clinical testing. Allele origin: germline.
Comment: This sequence change replaces glycine, which is neutral and non-polar, with aspartic acid, which is acidic and polar, at codon 1424 of the LYST protein (p.Gly1424Asp). This variant is present in population databases (rs201502579, gnomAD 0.05%). This variant has not been reported in the literature in individuals affected with LYST-related conditions. ClinVar contains an entry for this variant (Variation ID: 959595). Algorithms developed to predict the effect of missense changes on protein structure and function are either unavailable or do not agree on the potential impact of this missense change (SIFT: "Tolerated"; PolyPhen-2: "Possibly Damaging"; Align-GVGD: "Class C0"). In summary, the available evidence is currently insufficient to determine the role of this variant in disease. Therefore, it has been classified as a Variant of Uncertain Significance.